The following is an entry in ClinVar:

NM_002834.5(PTPN11):c.1493G>T (p.Arg498Leu)

Gene: PTPN11 (protein tyrosine phosphatase non-receptor type 11; plus strand). Cytogenetic location: 12q24.13.
Variant type: single nucleotide variant.
Coding change: c.1493G>T on transcript NM_002834.5 (MANE Select); coding-DNA position 1493, G replaced by T.
Protein change: p.Arg498Leu; replaces arginine 498 with leucine.
Molecular consequence: missense variant.
Genome position (GRCh38, 1-based): chr12:112,489,069, G>T. VCF-style: chr12-112489069-G-T. GRCh37 (hg19) VCF-style: chr12-112926873-G-T.
Other names: p.R498L:CGG>CTG; c.1505G>T, p.Arg502Leu (NM_001330437.2); c.1490G>T, p.Arg497Leu (NM_001374625.1); short protein forms R498L, R502L, R497L.
Identifiers: ClinVar variation 40554 (VCV000040554.42), dbSNP rs397507542, ClinGen allele CA273434.

ClinVar aggregate classification (germline): Pathogenic. Review status: criteria provided, multiple submitters, no conflicts (2 of 4 stars). 22 submissions from 21 submitters: Pathogenic (19). 3 of the submissions do not count toward it. Last evaluated 2026-02-23.

Conditions:
Noonan syndrome and Noonan-related syndrome. Identifiers: Orphanet 98733, MedGen C5681679, MONDO:0020297.
Noonan syndrome (NS). Also called: Noonan's syndrome. Identifiers: Orphanet 648, MedGen C0028326, MeSH D009634, MONDO:0018997. Disease mechanism: gain of function.
Noonan syndrome with multiple lentigines. Identifiers: Orphanet 500, MedGen C0175704, MONDO:0007893.
Cardiovascular phenotype. Identifiers: MedGen CN230736.
RASopathy. Also called: rasopathies; Noonan spectrum disorder. Identifiers: Orphanet 536391, MedGen C5555857, MONDO:0021060.
LEOPARD syndrome 1 (LPRD1). Also called: LENTIGINOSIS, CARDIOMYOPATHIC; MULTIPLE LENTIGINES SYNDROME; PTPN11-Related LEOPARD Syndrome. Identifiers: Orphanet 500, MedGen C4551484, MONDO:0100082, OMIM 151100.
Noonan syndrome 1 (NS1). Also called: FEMALE PSEUDO-TURNER SYNDROME; TURNER PHENOTYPE WITH NORMAL KARYOTYPE; PTPN11-Related Noonan Syndrome. Identifiers: Orphanet 648, MedGen C4551602, MONDO:0008104, OMIM 163950. Disease mechanism: gain of function.
Mild intellectual disability. Identifiers: MedGen C0026106, HP:0001256.
Scoliosis. Identifiers: MedGen C0036439, MONDO:0005392, HP:0002650.
Abnormal facial shape. Also called: Dysmorphic facies; Dysmorphic facial features. Identifiers: MedGen C0424503, HP:0001999.
Cafe-au-lait spot. Also called: Café-au-lait spot; café-au-lait spots; Café au Lait. Identifiers: MedGen C0221263, HP:0000957.
Specific learning disability. Identifiers: Orphanet 211047, MedGen C4025790, MONDO:0016225, HP:0001328.

Submissions 1 to 10 of 22:

Molecular Diagnostic Laboratory for Inherited Cardiovascular Disease, Montreal Heart Institute
Classification: Pathogenic for Cardiovascular phenotype. Last evaluated: 2026-02-23. Review status: criteria provided, single submitter. Criteria: ACMG Guidelines, 2015. Collection method: clinical testing. Allele origin: germline. Affected: yes.

Institute of Human Genetics, University of Leipzig Medical Center
Classification: Pathogenic for LEOPARD syndrome 1. Last evaluated: 2026-02-17. Review status: criteria provided, single submitter. Criteria: ACMG Guidelines, 2015. Collection method: clinical testing. Allele origin: unknown. Inheritance: Autosomal dominant inheritance. Affected: yes.
Comment: Criteria applied: PS2_MOD,PS4,PM2,PM5,PP2,PP3

Labcorp Genetics (formerly Invitae), Labcorp
Classification: Pathogenic for RASopathy. Last evaluated: 2025-10-31. Review status: criteria provided, single submitter. Criteria: Invitae Variant Classification Sherloc (09022015). Collection method: clinical testing. Allele origin: germline.
Comment: This sequence change replaces arginine, which is basic and polar, with leucine, which is neutral and non-polar, at codon 498 of the PTPN11 protein (p.Arg498Leu). This variant is not present in population databases (gnomAD no frequency). This missense change has been observed in individual(s) with RASopathy spectrum disorders (PMID: 15121796, 17339163, 17875892, 18241070). In at least one individual the variant was observed to be de novo. ClinVar contains an entry for this variant (Variation ID: 40554). Invitae Evidence Modeling of protein sequence and biophysical properties (such as structural, functional, and spatial information, amino acid conservation, physicochemical variation, residue mobility, and thermodynamic stability) indicates that this missense variant is expected to disrupt PTPN11 protein function with a positive predictive value of 95%. Experimental studies have shown that this missense change affects PTPN11 function (PMID: 24935154). For these reasons, this variant has been classified as Pathogenic.

CeGaT Center for Human Genetics Tuebingen
Classification: Pathogenic. Last evaluated: 2025-09-01. Review status: criteria provided, single submitter. Criteria: CeGaT Center For Human Genetics Tuebingen Variant Classification Criteria Version 2. Collection method: clinical testing. Allele origin: germline. Affected: yes. Observed: 1 variant allele.
Comment: PTPN11: PM1, PM2, PM5, PS2:Moderate, PS4:Moderate, PP2, PP3, PS3:Supporting

Women's Health and Genetics/Laboratory Corporation of America, LabCorp
Classification: Pathogenic for Noonan syndrome with multiple lentigines. Last evaluated: 2025-04-15. Review status: criteria provided, single submitter. Criteria: LabCorp Variant Classification Summary - May 2015. Collection method: clinical testing. Allele origin: germline.
Comment: Variant summary: PTPN11 c.1493G>T (p.Arg498Leu) results in a non-conservative amino acid change in the encoded protein sequence. Five of five in-silico tools predict a damaging effect of the variant on protein function. The variant was absent in 251492 control chromosomes. c.1493G>T has been observed in individual(s) affected with Noonan Syndrome/Leopard Syndrome (examples: Sarkozy_2004, Du-Thanh_2007, Hung_2007). These data indicate that the variant is likely to be associated with disease. The following publications have been ascertained in the context of this evaluation (PMID: 16523510, 17339163, 17875892, 18505544, 18241070, 19737548, 33776629). ClinVar contains an entry for this variant (Variation ID: 40554). Based on the evidence outlined above, the variant was classified as pathogenic.

3billion
Classification: Pathogenic for Noonan syndrome 1. Last evaluated: 2024-09-26. Review status: criteria provided, single submitter. Criteria: ACMG Guidelines, 2015. Collection method: clinical testing. Allele origin: germline. Affected: yes.
Comment: The variant is not observed in the gnomAD v4.0.0 dataset. Predicted Consequence/Location: Missense variant. Missense changes are a common disease-causing mechanism. In silico tool predictions suggest damaging effect of the variant on gene or gene product [REVEL: 0.94 (>=0.6, sensitivity 0.68 and specificity 0.92); 3Cnet: 0.99 (>=0.6, sensitivity 0.72 and precision 0.9)]. The same nucleotide change resulting in the same amino acid change has been previously reported as pathogenic/likely pathogenic with strong evidence (ClinVar ID: VCV000040554 /PMID: 15121796). Different missense changes at the same codon (p.Arg498Gln, p.Arg498Trp) have been reported as pathogenic/likely pathogenic with strong evidence (ClinVar ID: VCV000040553, VCV001805026 /PMID: 15121796 /3billion dataset). Therefore, this variant is classified as Pathogenic according to the recommendation of ACMG/AMP guideline.

Institute of Human Genetics, University of Leipzig Medical Center
Classification: Pathogenic for Noonan syndrome 1. Last evaluated: 2023-12-29. Review status: criteria provided, single submitter. Criteria: ACMG Guidelines, 2015. Collection method: clinical testing. Allele origin: unknown. Inheritance: Autosomal dominant inheritance. Affected: yes.
Comment: Criteria applied: PS4,PM5,PS3_SUP,PM2_SUP,PP2,PP3

ARUP Laboratories, Molecular Genetics and Genomics, ARUP Laboratories
Classification: Pathogenic. Last evaluated: 2023-09-20. Review status: criteria provided, single submitter. Criteria: ARUP Molecular Germline Variant Investigation Process 2024. Collection method: clinical testing. Allele origin: germline.
Comment: The PTPN11 c.1493G>T; p.Arg498Leu variant (rs397507542) is reported in the literature in multiple individuals affected with LEOPARD or Noonan syndrome (Kauffman 2021, Levin 2018, Sarkozy 2004). This variant is also reported in ClinVar (Variation ID: 40554) and is absent from the Genome Aggregation Database, indicating it is not a common polymorphism. Additionally, another variant at this codon (c.1492C>T, p.Arg498Trp) has been reported in individuals with LEOPARD or Noonan syndrome and is considered pathogenic (Kauffman 2021, Sarkozy 2004). Functional analyses of the variant protein found increased phosphorylation of ERK1/2. (Yu 2014). Computational analyses predict that this variant is deleterious (REVEL: 0.941). Based on available information, this variant is considered to be pathogenic. References: Kauffman H et al. Genotype-phenotype association by echocardiography offers incremental value in patients with Noonan Syndrome with Multiple Lentigines. Pediatr Res. 2021 Aug;90(2):444-451. PMID: 33318624. Levin MD et al. Nonreentrant atrial tachycardia occurs independently of hypertrophic cardiomyopathy in RASopathy patients. Am J Med Genet A. 2018 Aug;176(8):1711-1722. PMID: 30055033. Sarkozy A et al. Clinical and molecular analysis of 30 patients with multiple lentigines LEOPARD syndrome. J Med Genet. 2004 May;41(5):e68. PMID: 15121796. Yu ZH et al. Molecular basis of gain-of-function LEOPARD syndrome-associated SHP2 mutations. Biochemistry. 2014 Jul 1;53(25):4136-51. PMID: 24935154.

GeneDx
Classification: Pathogenic. Last evaluated: 2023-02-22. Review status: criteria provided, single submitter. Criteria: GeneDx Variant Classification Process June 2021. Collection method: clinical testing. Allele origin: germline. Affected: yes.
Comment: Published functional studies demonstrate increased phosphorylation of ERK1/2 (Yu et al., 2014); Not observed at significant frequency in large population cohorts (gnomAD); In silico analysis supports that this missense variant has a deleterious effect on protein structure/function; Missense variants in this gene are often considered pathogenic (HGMD); This variant is associated with the following publications: (PMID: 15121796, 19768645, 17339163, 21677813, 24891296, 24790373, 16733669, 27666661, 18241070, 17697839, 16053901, 19737548, 24935154, 24803665, 30055033, 30417923, 30050098, 29907801, 17875892, 33318624, 33776629, 29493581)

Clinical Genetics Laboratory, Skane University Hospital Lund
Classification: Pathogenic. Last evaluated: 2022-08-23. Review status: criteria provided, single submitter. Criteria: ACMG Guidelines, 2015. Collection method: clinical testing. Allele origin: germline. Affected: yes.